The following is an entry in ClinVar:

NM_003245.4(TGM3):c.1042G>A (p.Gly348Ser)

Gene: TGM3 (transglutaminase 3; plus strand). Cytogenetic location: 20p13.
Variant type: single nucleotide variant.
Coding change: c.1042G>A on transcript NM_003245.4 (MANE Select); coding-DNA position 1042, G replaced by A.
Protein change: p.Gly348Ser; replaces glycine 348 with serine.
Molecular consequence: missense variant.
Genome position (GRCh38, 1-based): chr20:2,325,907, G>A. VCF-style: chr20-2325907-G-A. GRCh37 (hg19) VCF-style: chr20-2306553-G-A.
Other names: short protein forms G348S.
Identifiers: ClinVar variation 4999705 (VCV004999705.1).

ClinVar aggregate classification (germline): Uncertain significance (1 of 4 stars; one submission).

Conditions:
TGM3-related disorder. Also called: TGM3-related condition.

gnomAD v4.1: 596 of 1,594,096 alleles (0.037%); highest among the groups gnomAD compares: Middle Eastern, 0.13%; no homozygotes.

Submission:

PreventionGenetics, part of Exact Sciences
Classification: Uncertain significance for TGM3-related condition. Last evaluated: 2025-11-05. Review status: criteria provided, single submitter. Criteria: ACMG Guidelines, 2015. Collection method: clinical testing. Allele origin: germline.
Comment: The TGM3 c.1042G>A variant is predicted to result in the amino acid substitution p.Gly348Ser. To our knowledge, this variant has not been reported in the literature. This variant is reported in 0.061% of alleles in individuals of Ashkenazi Jewish descent in gnomAD. Although we suspect that this variant may be benign, at this time, the clinical significance of this variant is uncertain due to the absence of conclusive functional and genetic evidence.